The following is an entry in ClinVar:

ClinVar aggregate classification (germline): Pathogenic (1 of 4 stars; one submission).

Conditions:
Pyruvate carboxylase deficiency. Also called: Pyruvate Carboxylase Deficiency Disease; PC DEFICIENCY; ATAXIA WITH LACTIC ACIDOSIS II; LEIGH NECROTIZING ENCEPHALOPATHY DUE TO PYRUVATE CARBOXYLASE DEFICIENCY; LEIGH SYNDROME DUE TO PYRUVATE CARBOXYLASE DEFICIENCY. Identifiers: Orphanet 3008, MedGen C0034341, MONDO:0009949, OMIM 266150.

Submission:

3billion
Classification: Pathogenic for Pyruvate carboxylase deficiency. Last evaluated: 2024-01-26. Review status: criteria provided, single submitter. Criteria: ACMG Guidelines, 2015. Collection method: clinical testing. Allele origin: germline. Affected: yes.
Comment: The variant is not observed in the gnomAD v2.1.1 dataset. Predicted Consequence/Location: Frameshift: predicted to result in a loss or disruption of normal protein function through nonsense-mediated decay (NMD) or protein truncation. Multiple pathogenic variants are reported downstream of the variant. Therefore, this variant is classified as Pathogenic according to the recommendation of ACMG/AMP guideline.

NM_001040716.2(PC):c.1234_1240del (p.Ala412fs)

Gene: PC (pyruvate carboxylase; minus strand). Cytogenetic location: 11q13.2.
Variant type: Deletion.
Coding change: c.1234_1240del on transcript NM_001040716.2 (MANE Select); coding-DNA positions 1234 to 1240, 7 bases deleted (GCCTTCC; older notation c.1234_1240delGCCTTCC).
Protein change: p.Ala412fs; shifts the reading frame from alanine 412.
Molecular consequence: frameshift variant.
Genome position (GRCh38, 1-based): chr11:66,863,902-66,863,908, GGAAGGC deleted on the plus strand (GCCTTCC on the coding strand, the reverse complement: PC is on the minus strand); deleting any 7 consecutive bases within chr11:66,863,902-66,863,913 gives the same sequence; the c. name uses the placement nearest the transcript's 3' end. VCF-style (leftmost placement, unchanged base first): chr11-66863901-TGGAAGGC-T. GRCh37 (hg19) VCF-style: chr11-66631372-TGGAAGGC-T.
Other names: c.1234_1240del, p.Ala412fs (NM_000920.4, NM_022172.3); short protein forms A412fs.
Identifiers: ClinVar variation 3776280 (VCV003776280.1).